The following is an entry in ClinVar:

ClinVar aggregate classification (germline): Uncertain significance. Review status: criteria provided, multiple submitters, no conflicts (2 of 4 stars). 2 submissions from 2 submitters: Uncertain significance (2). Last evaluated 2024-01-30.

Conditions:
Hermansky-Pudlak syndrome 1 (HPS1). Also called: DELTA STORAGE POOL DISEASE. Identifiers: Orphanet 231500, Orphanet 79430, MedGen C2931875, MONDO:0008748, OMIM 203300.

Allele frequency attached by ClinVar (database versions not stated): gnomAD exomes 0.00004; ExAC 0.00005; gnomAD 0.00005; ESP Exome Variant Server 0.00008.
gnomAD v4.1: 61 of 1,613,916 alleles (0.0038%); highest among the groups gnomAD compares: Non-Finnish European, 0.0047%; no homozygotes.

Submissions (2):

Fulgent Genetics
Classification: Uncertain significance for Hermansky-Pudlak syndrome 1. Last evaluated: 2024-01-30. Review status: criteria provided, single submitter. Criteria: ACMG Guidelines, 2015. Collection method: clinical testing. Allele origin: germline.

Labcorp Genetics (formerly Invitae), Labcorp
Classification: Uncertain significance. Last evaluated: 2022-08-21. Review status: criteria provided, single submitter. Criteria: Invitae Variant Classification Sherloc (09022015). Collection method: clinical testing. Allele origin: germline.
Comment: This sequence change replaces glutamic acid, which is acidic and polar, with lysine, which is basic and polar, at codon 100 of the HPS1 protein (p.Glu100Lys). This variant is present in population databases (rs367873195, gnomAD 0.009%). This variant has not been reported in the literature in individuals affected with HPS1-related conditions. Algorithms developed to predict the effect of missense changes on protein structure and function are either unavailable or do not agree on the potential impact of this missense change (SIFT: "Tolerated"; PolyPhen-2: "Possibly Damaging"; Align-GVGD: "Class C0"). In summary, the available evidence is currently insufficient to determine the role of this variant in disease. Therefore, it has been classified as a Variant of Uncertain Significance.

NM_000195.5(HPS1):c.298G>A (p.Glu100Lys)

Gene: HPS1 (HPS1 biogenesis of lysosomal organelles complex 3 subunit 1; minus strand). Cytogenetic location: 10q24.2.
Variant type: single nucleotide variant.
Coding change: c.298G>A on transcript NM_000195.5 (MANE Select); coding-DNA position 298, G replaced by A.
Protein change: p.Glu100Lys; replaces glutamic acid 100 with lysine.
Molecular consequence: missense variant. On other transcripts: 5 prime UTR variant (2), intron variant (7).
Genome position (GRCh38, 1-based): chr10:98,435,372, C>T on the plus strand (G>A on the coding strand, the complement: HPS1 is on the minus strand). VCF-style: chr10-98435372-C-T. GRCh37 (hg19) VCF-style: chr10-100195129-C-T.
Other names: c.-619G>A (NM_001311345.2); c.298G>A, p.Glu100Lys (NM_001322476.2, NM_001322477.2, NM_001322478.2 and 5 more transcripts); c.-718G>A (NM_001322487.2); c.29+263G>A (NM_001322483.2, NM_001322485.2, NM_001322484.2); c.255+263G>A (NM_001322480.2, NM_001322482.2, NM_001322481.2); c.-519+263G>A (NM_001322489.2); short protein forms E100K.
Identifiers: ClinVar variation 2201099 (VCV002201099.2), dbSNP rs367873195, ClinGen allele CA5639443.